The following is an entry in ClinVar:

NM_001130987.2(DYSF):c.2110-331C>G

Gene: DYSF (dysferlin; plus strand). Cytogenetic location: 2p13.2.
Variant type: single nucleotide variant.
Coding change: c.2110-331C>G on transcript NM_001130987.2 (MANE Select); 331 bases into the intron before coding-DNA position 2110, C replaced by G.
Molecular consequence: intron variant.
Genome position (GRCh38, 1-based): chr2:71,555,634, C>G. VCF-style: chr2-71555634-C-G. GRCh37 (hg19) VCF-style: chr2-71782764-C-G.
Other names: c.2149-331C>G (NM_001130979.2); c.2107-331C>G (NM_001130981.2, NM_001130980.2); c.2056-331C>G (NM_001130978.2, NM_003494.4); c.2014-331C>G (NM_001130977.2, NM_001130976.2); c.2152-331C>G (NM_001130982.2); c.2110-331C>G (NM_001130985.2); c.2059-331C>G (NM_001130983.2, NM_001130455.2); c.2017-331C>G (NM_001130984.2, NM_001130986.2).
Identifiers: ClinVar variation 668895 (VCV000668895.1), dbSNP rs745993, ClinGen allele CA11118030.

ClinVar aggregate classification (germline): Benign (1 of 4 stars; one submission).

Allele frequency attached by ClinVar (database versions not stated): 1000 Genomes Project 0.44589; 1000 Genomes Project 30x 0.44769; TOPMed 0.55635; gnomAD 0.56280 and 0.57350.
gnomAD v4.1: 85,655 of 151,950 alleles (56%); highest among the groups gnomAD compares: Non-Finnish European, 63%; 24,910 homozygotes.

Submission:

GeneDx
Classification: Benign. Last evaluated: 2018-06-18. Review status: criteria provided, single submitter. Criteria: GeneDx Variant Classification (06012015). Collection method: clinical testing. Allele origin: germline. Affected: yes.
Comment: This variant is considered likely benign or benign based on one or more of the following criteria: it is a conservative change, it occurs at a poorly conserved position in the protein, it is predicted to be benign by multiple in silico algorithms, and/or has population frequency not consistent with disease.